The following is an entry in ClinVar:

ClinVar aggregate classification (germline): Likely benign. Review status: criteria provided, multiple submitters, no conflicts (2 of 4 stars). 2 submissions from 2 submitters: Likely benign (2). Last evaluated 2025-06-23.

Allele frequency attached by ClinVar (database versions not stated): TOPMed 0.00006; gnomAD 0.00007; gnomAD exomes 0.00010; ExAC 0.00013; ESP Exome Variant Server 0.00015.
gnomAD v4.1: 173 of 1,613,914 alleles (0.011%); highest among the groups gnomAD compares: Non-Finnish European, 0.013%; no homozygotes.

Submissions (2):

Labcorp Genetics (formerly Invitae), Labcorp
Classification: Likely benign. Last evaluated: 2025-06-23. Review status: criteria provided, single submitter. Criteria: Invitae Variant Classification Sherloc (09022015). Collection method: clinical testing. Allele origin: germline.

CeGaT Center for Human Genetics Tuebingen
Classification: Likely benign. Last evaluated: 2023-04-01. Review status: criteria provided, single submitter. Criteria: CeGaT Center For Human Genetics Tuebingen Variant Classification Criteria Version 2. Collection method: clinical testing. Allele origin: germline. Affected: yes. Observed: 1 variant allele.
Comment: UNC45A: BP4, BP7

NM_018671.5(UNC45A):c.1440G>A (p.Ser480=)

Gene: UNC45A (unc-45 myosin chaperone A; plus strand). Cytogenetic location: 15q26.1.
Variant type: single nucleotide variant.
Coding change: c.1440G>A on transcript NM_018671.5 (MANE Select); coding-DNA position 1440, G replaced by A.
Protein change: p.Ser480=; no amino-acid change (serine 480 retained).
Molecular consequence: synonymous variant.
Genome position (GRCh38, 1-based): chr15:90,946,854, G>A. VCF-style: chr15-90946854-G-A. GRCh37 (hg19) VCF-style: chr15-91490084-G-A.
Other names: c.1395G>A, p.Ser465= (NM_001039675.2, NM_001323621.2); c.1440G>A, p.Ser480= (NM_001323619.1); c.1005G>A, p.Ser335= (NM_001323620.2).
Identifiers: ClinVar variation 1581780 (VCV001581780.32), dbSNP rs146865609, ClinGen allele CA7742903.